The following is an entry in ClinVar:

NM_001256447.2(BCAP31):c.703-11T>C

Gene: BCAP31 (B cell receptor associated protein 31; minus strand). Cytogenetic location: Xq28.
Variant type: single nucleotide variant.
Coding change: c.703-11T>C on transcript NM_001256447.2 (MANE Select); 11 bases into the intron before coding-DNA position 703, T replaced by C.
Molecular consequence: intron variant.
Genome position (GRCh38, 1-based): chrX:153,700,986, A>G on the plus strand (T>C on the coding strand, the complement: BCAP31 is on the minus strand). VCF-style: chrX-153700986-A-G. GRCh37 (hg19) VCF-style: chrX-152966441-A-G.
Other names: c.703-11T>C (NM_005745.8, NM_001139441.1); c.904-11T>C (NM_001139457.2).
Identifiers: ClinVar variation 3679094 (VCV003679094.2).

ClinVar aggregate classification (germline): Uncertain significance (1 of 4 stars; one submission).

Submission:

Labcorp Genetics (formerly Invitae), Labcorp
Classification: Uncertain significance. Last evaluated: 2025-01-08. Review status: criteria provided, single submitter. Criteria: Invitae Variant Classification Sherloc (09022015). Collection method: clinical testing. Allele origin: germline.
Comment: This sequence change falls in intron 7 of the BCAP31 gene. It does not directly change the encoded amino acid sequence of the BCAP31 protein. This variant is not present in population databases (gnomAD no frequency). This variant has not been reported in the literature in individuals affected with BCAP31-related conditions. Algorithms developed to predict the effect of sequence changes on RNA splicing suggest that this variant may disrupt the consensus splice site. In summary, the available evidence is currently insufficient to determine the role of this variant in disease. Therefore, it has been classified as a Variant of Uncertain Significance.